The following is an entry in ClinVar:

ClinVar aggregate classification (germline): Likely benign. Review status: criteria provided, multiple submitters, no conflicts (2 of 4 stars). 7 submissions from 7 submitters: Likely benign (4). 3 of the submissions do not count toward it. Last evaluated 2026-01-23.

Allele frequency attached by ClinVar (database versions not stated): 1000 Genomes Project 0.00040; 1000 Genomes Project 30x 0.00047; gnomAD exomes 0.00123 and 0.00193; TOPMed 0.00124; gnomAD 0.00125 and 0.00127; ESP Exome Variant Server 0.00131; ExAC 0.00137.
gnomAD v4.1: 2,971 of 1,613,030 alleles (0.18%); highest among the groups gnomAD compares: Non-Finnish European, 0.23%; 7 homozygotes.

Submissions (7):

Labcorp Genetics (formerly Invitae), Labcorp
Classification: Likely benign. Last evaluated: 2026-01-23. Review status: criteria provided, single submitter. Criteria: Invitae Variant Classification Sherloc (09022015). Collection method: clinical testing. Allele origin: germline.

Blueprint Genetics
Classification: Likely benign. Last evaluated: 2024-11-15. Review status: criteria provided, single submitter. Criteria: ACMG Guidelines, 2015. Collection method: clinical testing. Allele origin: germline.

CeGaT Center for Human Genetics Tuebingen
Classification: Likely benign. Last evaluated: 2022-11-01. Review status: criteria provided, single submitter. Criteria: CeGaT Center For Human Genetics Tuebingen Variant Classification Criteria Version 2. Collection method: clinical testing. Allele origin: germline. Affected: yes. Observed: 1 variant allele.
Comment: CISD2: BP4, BP7

Athena Diagnostics
Classification: Likely benign. Last evaluated: 2018-09-12. Review status: criteria provided, single submitter. Criteria: Athena Diagnostics Criteria. Collection method: clinical testing. Allele origin: germline.

Clinical Genetics DNA and cytogenetics Diagnostics Lab, Erasmus MC, Erasmus Medical Center
Classification: Likely benign. Review status: no assertion criteria provided. Collection method: clinical testing. Allele origin: germline. Affected: yes. Study: VKGL Data-share Consensus. Not counted in ClinVar's aggregate classification.

Clinical Genetics, Academic Medical Center
Classification: Likely benign. Review status: no assertion criteria provided. Collection method: clinical testing. Allele origin: germline. Affected: yes. Study: VKGL Data-share Consensus. Not counted in ClinVar's aggregate classification.

Laboratory of Diagnostic Genome Analysis, Leiden University Medical Center (LUMC)
Classification: Likely benign. Review status: no assertion criteria provided. Collection method: clinical testing. Allele origin: germline. Affected: yes. Study: VKGL Data-share Consensus. Not counted in ClinVar's aggregate classification.

NM_001008388.5(CISD2):c.52C>T (p.Leu18=)

Genes: CISD2 (CDGSH iron sulfur domain 2; plus strand), LOC129992892 (ATAC-STARR-seq lymphoblastoid silent region 15603; plus strand). Cytogenetic location: 4q24.
Variant type: single nucleotide variant.
Coding change: c.52C>T on transcript NM_001008388.5 (MANE Select); coding-DNA position 52, C replaced by T.
Protein change: p.Leu18=; no amino-acid change (leucine 18 retained).
Molecular consequence: synonymous variant.
Genome position (GRCh38, 1-based): chr4:102,869,136, C>T. VCF-style: chr4-102869136-C-T. GRCh37 (hg19) VCF-style: chr4-103790293-C-T.
Identifiers: ClinVar variation 731902 (VCV000731902.40), dbSNP rs142339135, ClinGen allele CA3027639.